The following is an entry in ClinVar:

NM_005591.4(MRE11):c.1840G>C (p.Ala614Pro)

Gene: MRE11 (MRE11 double strand break repair nuclease; minus strand). Cytogenetic location: 11q21.
Variant type: single nucleotide variant.
Coding change: c.1840G>C on transcript NM_005591.4 (MANE Select); coding-DNA position 1840, G replaced by C.
Protein change: p.Ala614Pro; replaces alanine 614 with proline.
Molecular consequence: missense variant. On other transcripts: intron variant (1).
Genome position (GRCh38, 1-based): chr11:94,445,837, C>G on the plus strand (G>C on the coding strand, the complement: MRE11 is on the minus strand). VCF-style: chr11-94445837-C-G. GRCh37 (hg19) VCF-style: chr11-94179003-C-G.
Other names: c.1837G>C, p.Ala613Pro (NM_001330347.2); c.1783+1382G>C (NM_005590.4); short protein forms A613P, A614P.
Identifiers: ClinVar variation 3224846 (VCV003224846.1), dbSNP rs747646574, ClinGen allele CA382366497.

ClinVar aggregate classification (germline): Uncertain significance (1 of 4 stars; one submission).

Conditions:
Hereditary cancer-predisposing syndrome. Also called: Neoplastic Syndromes, Hereditary; Tumor predisposition; Hereditary neoplastic syndrome; Hereditary Cancer Syndrome. Identifiers: Orphanet 140162, MedGen C0027672, MeSH D009386, MONDO:0015356.

Submission:

Ambry Genetics
Classification: Uncertain significance for Hereditary cancer-predisposing syndrome. Last evaluated: 2023-09-25. Review status: criteria provided, single submitter. Criteria: Ambry Variant Classification Scheme 2023. Collection method: clinical testing. Allele origin: germline.
Comment: The p.A614P variant (also known as c.1840G>C), located in coding exon 15 of the MRE11A gene, results from a G to C substitution at nucleotide position 1840. The alanine at codon 614 is replaced by proline, an amino acid with highly similar properties. This amino acid position is conserved. In addition, this alteration is predicted to be tolerated by in silico analysis. Since supporting evidence is limited at this time, the clinical significance of this alteration remains unclear.